The following is an entry in ClinVar:

ClinVar aggregate classification (germline): Likely benign (1 of 4 stars; one submission).

Submission:

CeGaT Center for Human Genetics Tuebingen
Classification: Likely benign. Last evaluated: 2024-10-01. Review status: criteria provided, single submitter. Criteria: CeGaT Center For Human Genetics Tuebingen Variant Classification Criteria Version 2. Collection method: clinical testing. Allele origin: germline. Affected: yes. Observed: 1 variant allele.
Comment: NFS1: PM2:Supporting, BP4, BP7

NM_021100.5(NFS1):c.1167T>C (p.Ser389=)

Gene: NFS1 (NFS1 cysteine desulfurase; minus strand). Cytogenetic location: 20q11.22.
Variant type: single nucleotide variant.
Coding change: c.1167T>C on transcript NM_021100.5 (MANE Select); coding-DNA position 1167, T replaced by C.
Protein change: p.Ser389=; no amino-acid change (serine 389 retained).
Molecular consequence: synonymous variant. On other transcripts: non-coding transcript variant (1).
Genome position (GRCh38, 1-based): chr20:35,673,654, A>G on the plus strand (T>C on the coding strand, the complement: NFS1 is on the minus strand). VCF-style: chr20-35673654-A-G. GRCh37 (hg19) VCF-style: chr20-34261576-A-G.
Other names: c.1014T>C, p.Ser338= (NM_001198989.2).
Identifiers: ClinVar variation 3389886 (VCV003389886.14).
Genomic context (GRCh38, chr20:35,673,654, plus strand): 5'-CACTGACCTGATAGAAGAGTGCGCTAAATCCTCATCAGTGCCAATTGCTCTAAGCACATA[A>G]GAGGGCTCCAGGGATGCAGAGGTGCAGGCACTGAGGAGAGAGACACGAACCTTGTTCAGT-3'
Protein context (NP_066923.3, residues 379-399): SACTSASLEP[Ser389=]YVLRAIGTDE